The following is an entry in ClinVar:

ClinVar aggregate classification (germline): Uncertain significance (1 of 4 stars; one submission).

Submission:

Labcorp Genetics (formerly Invitae), Labcorp
Classification: Uncertain significance. Last evaluated: 2024-03-19. Review status: criteria provided, single submitter. Criteria: Invitae Variant Classification Sherloc (09022015). Collection method: clinical testing. Allele origin: germline.
Comment: This sequence change replaces aspartic acid, which is acidic and polar, with glutamic acid, which is acidic and polar, at codon 187 of the NEFH protein (p.Asp187Glu). This variant is not present in population databases (gnomAD no frequency). This variant has not been reported in the literature in individuals affected with NEFH-related conditions. Advanced modeling of protein sequence and biophysical properties (such as structural, functional, and spatial information, amino acid conservation, physicochemical variation, residue mobility, and thermodynamic stability) performed at Invitae indicates that this missense variant is not expected to disrupt NEFH protein function with a negative predictive value of 95%. In summary, the available evidence is currently insufficient to determine the role of this variant in disease. Therefore, it has been classified as a Variant of Uncertain Significance.

NM_021076.4(NEFH):c.561C>G (p.Asp187Glu)

Gene: NEFH (neurofilament heavy chain; plus strand). Cytogenetic location: 22q12.2.
Variant type: single nucleotide variant.
Coding change: c.561C>G on transcript NM_021076.4 (MANE Select); coding-DNA position 561, C replaced by G.
Protein change: p.Asp187Glu; replaces aspartic acid 187 with glutamic acid.
Molecular consequence: missense variant.
Genome position (GRCh38, 1-based): chr22:29,480,823, C>G. VCF-style: chr22-29480823-C-G. GRCh37 (hg19) VCF-style: chr22-29876812-C-G.
Other names: short protein forms D187E.
Identifiers: ClinVar variation 3637751 (VCV003637751.2).
Genomic context (GRCh38, chr22:29,480,823, plus strand): 5'-ACGCCTGGAGCAGGAGCACCTGCTCGAGGACATCGCGCACGTGCGCCAGCGCCTAGACGA[C>G]GAGGCCCGGCAGCGAGAGGAGGCCGAGGCGGCGGCCCGCGCGCTGGCGCGCTTCGCGCAG-3'
Protein context (NP_066554.2, residues 177-197): DIAHVRQRLD[Asp187Glu]EARQREEAEA